The following is an entry in ClinVar:

NM_001829.4(CLCN3):c.814G>A (p.Ala272Thr)

Gene: CLCN3 (Cl-/H+ antiporter 3; plus strand). Cytogenetic location: 4q33.
Variant type: single nucleotide variant.
Coding change: c.814G>A on transcript NM_001829.4 (MANE Select); coding-DNA position 814, G replaced by A.
Protein change: p.Ala272Thr; replaces alanine 272 with threonine.
Molecular consequence: missense variant.
Genome position (GRCh38, 1-based): chr4:169,692,198, G>A. VCF-style: chr4-169692198-G-A. GRCh37 (hg19) VCF-style: chr4-170613349-G-A.
Other names: c.814G>A, p.Ala272Thr (NM_173872.4, NM_001243372.2); c.733G>A, p.Ala245Thr (NM_001243374.2); short protein forms A245T, A272T.
Identifiers: ClinVar variation 4880955 (VCV004880955.2).

ClinVar aggregate classification (germline): Uncertain significance (1 of 4 stars; one submission).

Conditions:
Neurodevelopmental disorder with hypotonia and brain abnormalities. Identifiers: MedGen C5561977, MONDO:0859187, OMIM 619512.

gnomAD v4.1: 2 of 1,612,594 alleles (0.00012%); highest among the groups gnomAD compares: Admixed American, 0.0017%; no homozygotes.

Submission:

Dasa
Classification: Uncertain significance for Neurodevelopmental disorder with hypotonia and brain abnormalities. Last evaluated: 2026-01-22. Review status: criteria provided, single submitter. Criteria: DASA Assertion Criteria. Collection method: clinical testing. Allele origin: germline.
Comment: NM_001829.4(CLCN3):c.814G>A (p.Ala272Thr) is a missense variant that results in the substitution of alanine with threonine. This variant is rare in population databases. Computational prediction algorithms are consistent with a deleterious effect. The currently available literature and clinical evidence are not sufficient to establish a definitive association between this variant and the reported condition. Therefore, this variant is classified as a variant of uncertain significance.